The following is an entry in ClinVar:

ClinVar aggregate classification (germline): Uncertain significance. Review status: criteria provided, multiple submitters, no conflicts (2 of 4 stars). 4 submissions from 4 submitters: Uncertain significance (2). 2 of the submissions do not count toward it. Last evaluated 2024-06-19.

Conditions:
BNAR syndrome. Also called: Bifid Nose With or Without Anorectal and Renal Anomalies (BNAR) Syndrome. Identifiers: Orphanet 217266, MedGen C2750433, MONDO:0012165, OMIM 608980.
Oculotrichoanal syndrome (MOTA). Also called: MARLES SYNDROME; Manitoba Oculotrichoanal (MOTA) Syndrome. Identifiers: Orphanet 2717, MedGen C1855425, MONDO:0009560, OMIM 248450.
Trigonocephaly 2 (TRIGNO2). Identifiers: Orphanet 3366, MedGen C3280974, MONDO:0013774, OMIM 614485.

Allele frequency attached by ClinVar (database versions not stated): gnomAD exomes 0.00001 and below 0.00001; gnomAD 0.00001.
gnomAD v4.1: 12 of 1,612,726 alleles (0.00074%); highest among the groups gnomAD compares: African/African-American, 0.011%; 1 homozygote.

Submissions (4):

Fulgent Genetics
Classification: Uncertain significance for Oculotrichoanal syndrome; BNAR syndrome; Trigonocephaly 2. Last evaluated: 2024-06-19. Review status: criteria provided, single submitter. Criteria: ACMG Guidelines, 2015. Collection method: clinical testing. Allele origin: germline.

Baylor Genetics
Classification: Uncertain significance for BNAR syndrome. Last evaluated: 2019-10-29. Review status: criteria provided, single submitter. Criteria: ACMG Guidelines, 2015. Collection method: clinical testing. Allele origin: unknown. Affected: yes.
Comment: This variant was determined to be of uncertain significance according to ACMG Guidelines, 2015 [PMID:25741868].

Clinical Genetics DNA and cytogenetics Diagnostics Lab, Erasmus MC, Erasmus Medical Center
Classification: Uncertain significance. Review status: no assertion criteria provided. Collection method: clinical testing. Allele origin: germline. Affected: yes. Study: VKGL Data-share Consensus. Not counted in ClinVar's aggregate classification.

Laboratory of Diagnostic Genome Analysis, Leiden University Medical Center (LUMC)
Classification: Uncertain significance. Review status: no assertion criteria provided. Collection method: clinical testing. Allele origin: germline. Affected: yes. Study: VKGL Data-share Consensus. Not counted in ClinVar's aggregate classification.

NM_001379081.2(FREM1):c.2042C>T (p.Thr681Ile)

Gene: FREM1 (FRAS1 related extracellular matrix 1; minus strand). Cytogenetic location: 9p22.3.
Variant type: single nucleotide variant.
Coding change: c.2042C>T on transcript NM_001379081.2 (MANE Select); coding-DNA position 2042, C replaced by T.
Protein change: p.Thr681Ile; replaces threonine 681 with isoleucine.
Molecular consequence: missense variant. On other transcripts: non-coding transcript variant (2).
Genome position (GRCh38, 1-based): chr9:14,824,832, G>A on the plus strand (C>T on the coding strand, the complement: FREM1 is on the minus strand). VCF-style: chr9-14824832-G-A. GRCh37 (hg19) VCF-style: chr9-14824830-G-A.
Other names: c.2042C>T, p.Thr681Ile (NM_144966.7); short protein forms T681I.
Identifiers: ClinVar variation 1030227 (VCV001030227.5), dbSNP rs1298355353, ClinGen allele CA372956928.